The following is an entry in ClinVar:

NM_000303.3(PMM2):c.671C>T (p.Pro224Leu)

Gene: PMM2 (phosphomannomutase 2; plus strand). Cytogenetic location: 16p13.2.
Variant type: single nucleotide variant.
Coding change: c.671C>T on transcript NM_000303.3 (MANE Select); coding-DNA position 671, C replaced by T.
Protein change: p.Pro224Leu; replaces proline 224 with leucine.
Molecular consequence: missense variant.
Genome position (GRCh38, 1-based): chr16:8,847,755, C>T. VCF-style: chr16-8847755-C-T. GRCh37 (hg19) VCF-style: chr16-8941612-C-T.
Other names: short protein forms P224L.
Identifiers: ClinVar variation 2010183 (VCV002010183.4), dbSNP rs778488908, ClinGen allele CA394689466.
Genomic context (GRCh38, chr16:8,847,755, plus strand): 5'-GCCTTCATCTGTACTTCGTGTCTTTCCAGGGTGGCAATGACCATGAGATCTTCACAGACC[C>T]CAGAACCATGGGCTACTCCGTGACAGCGCCTGAGGACACGCGCAGGATCTGTGAACTGCT-3'
Protein context (NP_000294.1, residues 214-234): GGNDHEIFTD[Pro224Leu]RTMGYSVTAP

ClinVar aggregate classification (germline): Uncertain significance (1 of 4 stars; one submission).

Conditions:
PMM2-congenital disorder of glycosylation. Also called: JAEKEN SYNDROME; PHOSPHOMANNOMUTASE 2 DEFICIENCY; CARBOHYDRATE-DEFICIENT GLYCOPROTEIN SYNDROME, TYPE Ia; PMM2-CDG; Congenital disorder of glycosylation, type Ia; CDG Ia. Identifiers: Orphanet 79318, MedGen C0349653, MONDO:0008907, OMIM 212065.

gnomAD v4.1: 1 of 1,614,008 alleles (0.000062%); highest among the groups gnomAD compares: Non-Finnish European, 0.000085%; no homozygotes.

Submission:

Labcorp Genetics (formerly Invitae), Labcorp
Classification: Uncertain significance for PMM2-congenital disorder of glycosylation. Last evaluated: 2022-06-24. Review status: criteria provided, single submitter. Criteria: Invitae Variant Classification Sherloc (09022015). Collection method: clinical testing. Allele origin: germline.
Comment: Algorithms developed to predict the effect of missense changes on protein structure and function are either unavailable or do not agree on the potential impact of this missense change (SIFT: "Deleterious"; PolyPhen-2: "Possibly Damaging"; Align-GVGD: "Class C0"). In summary, the available evidence is currently insufficient to determine the role of this variant in disease. Therefore, it has been classified as a Variant of Uncertain Significance. This variant has not been reported in the literature in individuals affected with PMM2-related conditions. This variant is not present in population databases (gnomAD no frequency). This sequence change replaces proline, which is neutral and non-polar, with leucine, which is neutral and non-polar, at codon 224 of the PMM2 protein (p.Pro224Leu).